The following is an entry in ClinVar:

ClinVar aggregate classification (germline): Uncertain significance (1 of 4 stars; one submission).

Conditions:
Aniridia 1 (AN1). Identifiers: Orphanet 250923, MedGen C0344542, MONDO:0024507, OMIM 106210.
Irido-corneo-trabecular dysgenesis (ASGD5). Also called: ANTERIOR SEGMENT DYSGENESIS 5. Identifiers: Orphanet 708, MedGen C0344559, MONDO:0011414, OMIM 604229, HP:0000659.

Submission:

Labcorp Genetics (formerly Invitae), Labcorp
Classification: Uncertain significance for Aniridia 1; Irido-corneo-trabecular dysgenesis. Last evaluated: 2025-01-23. Review status: criteria provided, single submitter. Criteria: Invitae Variant Classification Sherloc (09022015). Collection method: clinical testing. Allele origin: germline.
Comment: This sequence change replaces glutamine, which is neutral and polar, with lysine, which is basic and polar, at codon 201 of the PAX6 protein (p.Gln201Lys). This variant is not present in population databases (gnomAD no frequency). This variant has not been reported in the literature in individuals affected with PAX6-related conditions. ClinVar contains an entry for this variant (Variation ID: 2949032). Invitae Evidence Modeling of protein sequence and biophysical properties (such as structural, functional, and spatial information, amino acid conservation, physicochemical variation, residue mobility, and thermodynamic stability) indicates that this missense variant is not expected to disrupt PAX6 protein function with a negative predictive value of 80%. In summary, the available evidence is currently insufficient to determine the role of this variant in disease. Therefore, it has been classified as a Variant of Uncertain Significance.

NM_001368894.2(PAX6):c.643C>A (p.Gln215Lys)

Gene: PAX6 (paired box 6; minus strand). Cytogenetic location: 11p13.
Variant type: single nucleotide variant.
Coding change: c.643C>A on transcript NM_001368894.2 (MANE Select); coding-DNA position 643, C replaced by A.
Protein change: p.Gln215Lys; replaces glutamine 215 with lysine.
Molecular consequence: missense variant. On other transcripts: 5 prime UTR variant (1), non-coding transcript variant (2).
Genome position (GRCh38, 1-based): chr11:31,794,711, G>T on the plus strand (C>A on the coding strand, the complement: PAX6 is on the minus strand). VCF-style: chr11-31794711-G-T. GRCh37 (hg19) VCF-style: chr11-31816259-G-T.
Other names: c.601C>A, p.Gln201Lys (NM_000280.6, NM_001127612.3, NM_001258464.2 and 10 more transcripts); c.643C>A, p.Gln215Lys (NM_001258462.3, NM_001258463.2, NM_001310158.2 and 6 more transcripts); c.193C>A, p.Gln65Lys (NM_001310160.2, NM_001310161.3, NM_001368899.2 and 11 more transcripts); c.844C>A, p.Gln282Lys (NM_001368910.2); c.646C>A, p.Gln216Lys (NM_001368911.2); c.718C>A, p.Gln240Lys (NM_001368918.2, NM_001368919.2); c.676C>A, p.Gln226Lys (NM_001368920.2); c.442C>A, p.Gln148Lys (NM_001368921.2, NM_001368922.2, NM_001368923.2 and 4 more transcripts); and 2 more; short protein forms Q148K, Q215K, Q216K, Q282K, Q134K, Q240K, Q65K, Q201K.
Identifiers: ClinVar variation 2949032 (VCV002949032.3), dbSNP rs2495309284, ClinGen allele CA379956984.